The following is an entry in ClinVar:

NM_001145128.3(AK9):c.1254+12A>T

Gene: AK9 (adenylate kinase 9; minus strand). Cytogenetic location: 6q21.
Variant type: single nucleotide variant.
Coding change: c.1254+12A>T on transcript NM_001145128.3 (MANE Select); 12 bases into the intron after coding-DNA position 1254, A replaced by T.
Molecular consequence: intron variant. On other transcripts: stop lost (3), non-coding transcript variant (1).
Genome position (GRCh38, 1-based): chr6:109,632,911, T>A on the plus strand (A>T on the coding strand, the complement: AK9 is on the minus strand). VCF-style: chr6-109632911-T-A. GRCh37 (hg19) VCF-style: chr6-109954114-T-A.
Other names: *494Y; *422Y; c.1266A>T, p.Ter422Tyr (NM_001329602.2, NM_145025.5); c.1482A>T, p.Ter494Tyr (NM_001329603.2).
Identifiers: ClinVar variation 931747 (VCV000931747.4), dbSNP rs79604737, ClinGen allele CA3955235.

ClinVar aggregate classification (germline): Uncertain significance. Review status: criteria provided, multiple submitters, no conflicts (2 of 4 stars). 2 submissions from 2 submitters: Uncertain significance (2). Last evaluated 2018-10-26.

Allele frequency attached by ClinVar (database versions not stated): gnomAD exomes 0.00017; ExAC 0.00019; gnomAD 0.00029 and 0.00033.

Submissions (2):

Centre for Mendelian Genomics, University Medical Centre Ljubljana
Classification: Uncertain significance. Last evaluated: 2018-10-26. Review status: criteria provided, single submitter. Criteria: ACMG Guidelines, 2015. Collection method: clinical testing. Allele origin: unknown. Affected: yes.
Comment: This variant was classified as: Uncertain significance. The available evidence on this variant's pathogenicity is insufficient or conflicting. The following ACMG criteria were applied in classifying this variant: No criteria apply.

Breakthrough Genomics
Classification: Uncertain significance. Review status: criteria provided, single submitter. Criteria: ACMG Guidelines, 2015. Collection method: not provided. Allele origin: germline. Inheritance: Unknown mechanism. Affected: yes.